The following is an entry in ClinVar:

NM_003920.5(TIMELESS):c.1578+8del

Gene: TIMELESS (timeless circadian regulator; minus strand). Cytogenetic location: 12q13.3.
Variant type: Deletion.
Coding change: c.1578+8del on transcript NM_003920.5 (MANE Select); 8 bases into the intron after coding-DNA position 1578, one base deleted (G; older notation c.1578+8delG).
Molecular consequence: intron variant.
Genome position (GRCh38, 1-based): chr12:56,428,228, C deleted on the plus strand (G on the coding strand, the reverse complement: TIMELESS is on the minus strand); the first of 3 consecutive C bases (chr12:56,428,228-56,428,230); deleting any one gives the same sequence. VCF-style (leftmost placement, unchanged base first): chr12-56428227-GC-G. GRCh37 (hg19) VCF-style: chr12-56822011-GC-G.
Other names: c.1575+8del (NM_001330295.2).
Identifiers: ClinVar variation 4983449 (VCV004983449.1).

ClinVar aggregate classification (germline): Likely benign (1 of 4 stars; one submission).

Conditions:
TIMELESS-related condition.

Submission:

PreventionGenetics, part of Exact Sciences
Classification: Likely benign for TIMELESS-related condition. Last evaluated: 2025-07-03. Review status: criteria provided, single submitter. Criteria: ACMG Guidelines, 2015. Collection method: clinical testing. Allele origin: germline.
Comment: This variant is classified as likely benign based on ACMG/AMP sequence variant interpretation guidelines (Richards et al. 2015 PMID: 25741868, with internal and published modifications).